The following is an entry in ClinVar:

ClinVar aggregate classification (germline): Uncertain significance (1 of 4 stars; one submission).

Conditions:
Hyperphosphatasia with intellectual disability syndrome 5 (GPIBD11). Also called: GLYCOSYLPHOSPHATIDYLINOSITOL BIOSYNTHESIS DEFECT 11. Identifiers: Orphanet 247262, MedGen C4014958, MONDO:0014457, OMIM 616025.

Allele frequency attached by ClinVar (database versions not stated): gnomAD exomes 0.00003 and 0.00006; gnomAD 0.00004; TOPMed 0.00005; ExAC 0.00011; ESP Exome Variant Server 0.00023.
gnomAD v4.1: 59 of 1,613,958 alleles (0.0037%); highest among the groups gnomAD compares: Admixed American, 0.0067%; no homozygotes.

Submission:

Labcorp Genetics (formerly Invitae), Labcorp
Classification: Uncertain significance for Hyperphosphatasia with intellectual disability syndrome 5. Last evaluated: 2025-12-15. Review status: criteria provided, single submitter. Criteria: Invitae Variant Classification Sherloc (09022015). Collection method: clinical testing. Allele origin: germline.
Comment: This sequence change replaces isoleucine, which is neutral and non-polar, with threonine, which is neutral and polar, at codon 255 of the PIGW protein (p.Ile255Thr). This variant is present in population databases (rs199762429, gnomAD 0.01%). This variant has not been reported in the literature in individuals affected with PIGW-related conditions. ClinVar contains an entry for this variant (Variation ID: 1053872). Invitae Evidence Modeling of protein sequence and biophysical properties (such as structural, functional, and spatial information, amino acid conservation, physicochemical variation, residue mobility, and thermodynamic stability) indicates that this missense variant is not expected to disrupt PIGW protein function with a negative predictive value of 80%. In summary, the available evidence is currently insufficient to determine the role of this variant in disease. Therefore, it has been classified as a Variant of Uncertain Significance.

NM_001346754.2(PIGW):c.764T>C (p.Ile255Thr)

Genes: MYO19 (myosin XIX; minus strand), PIGW (phosphatidylinositol glycan anchor biosynthesis class W; plus strand). Cytogenetic location: 17q12.
Variant type: single nucleotide variant.
Coding change: c.764T>C on transcript NM_001346754.2 (MANE Select); coding-DNA position 764, T replaced by C.
Protein change: p.Ile255Thr; replaces isoleucine 255 with threonine.
Molecular consequence: missense variant.
Genome position (GRCh38, 1-based): chr17:36,537,865, T>C. VCF-style: chr17-36537865-T-C. GRCh37 (hg19) VCF-style: chr17-34893714-T-C.
Other names: c.764T>C, p.Ile255Thr (NM_001346755.2, NM_178517.5); short protein forms I255T.
Identifiers: ClinVar variation 1053872 (VCV001053872.5), dbSNP rs199762429, ClinGen allele CA290116236.